The following is an entry in ClinVar:

ClinVar aggregate classification (germline): Uncertain significance. Review status: criteria provided, multiple submitters, no conflicts (2 of 4 stars). 3 submissions from 3 submitters: Uncertain significance (3). Last evaluated 2025-06-09.

Conditions:
APC-related disorder. Also called: APC-related condition.
Hereditary cancer-predisposing syndrome. Also called: Tumor predisposition; Hereditary Cancer Syndrome; Hereditary neoplastic syndrome; Neoplastic Syndromes, Hereditary. Identifiers: Orphanet 140162, MedGen C0027672, MeSH D009386, MONDO:0015356.
Familial adenomatous polyposis 1 (FAP1). Also called: FAMILIAL ADENOMATOUS POLYPOSIS 1, ATTENUATED; POLYPOSIS, ADENOMATOUS INTESTINAL. Identifiers: MedGen C2713442, MONDO:0021056, OMIM 175100. Disease mechanism: loss of function.

Allele frequency attached by ClinVar (database versions not stated): gnomAD exomes below 0.00001.
gnomAD v4.1: 2 of 1,612,750 alleles (0.00012%); highest among the groups gnomAD compares: Non-Finnish European, 0.00017%; no homozygotes.

Submissions (3):

Labcorp Genetics (formerly Invitae), Labcorp
Classification: Uncertain significance for Familial adenomatous polyposis 1. Last evaluated: 2025-06-09. Review status: criteria provided, single submitter. Criteria: Invitae Variant Classification Sherloc (09022015). Collection method: clinical testing. Allele origin: germline.
Comment: This sequence change replaces glutamine, which is neutral and polar, with glutamic acid, which is acidic and polar, at codon 264 of the APC protein (p.Gln264Glu). This variant is present in population databases (no rsID available, gnomAD 0.0009%). This variant has not been reported in the literature in individuals affected with APC-related conditions. ClinVar contains an entry for this variant (Variation ID: 537458). Invitae Evidence Modeling of protein sequence and biophysical properties (such as structural, functional, and spatial information, amino acid conservation, physicochemical variation, residue mobility, and thermodynamic stability) indicates that this missense variant is not expected to disrupt APC protein function with a negative predictive value of 95%. In summary, the available evidence is currently insufficient to determine the role of this variant in disease. Therefore, it has been classified as a Variant of Uncertain Significance.

Ambry Genetics
Classification: Uncertain significance for Hereditary cancer-predisposing syndrome. Last evaluated: 2024-03-18. Review status: criteria provided, single submitter. Criteria: Ambry Variant Classification Scheme 2023. Collection method: clinical testing. Allele origin: germline.
Comment: The p.Q264E variant (also known as c.790C>G), located in coding exon 7 of the APC gene, results from a C to G substitution at nucleotide position 790. The glutamine at codon 264 is replaced by glutamic acid, an amino acid with highly similar properties. This amino acid position is well conserved in available vertebrate species. In addition, in silico predictors for this gene do not accurately predict pathogenicity. Since supporting evidence is limited at this time, the clinical significance of this alteration remains unclear.

PreventionGenetics, part of Exact Sciences
Classification: Uncertain significance for APC-related condition. Last evaluated: 2023-05-23. Review status: criteria provided, single submitter. Criteria: ACMG Guidelines, 2015. Collection method: clinical testing. Allele origin: germline.
Comment: The APC c.790C>G variant is predicted to result in the amino acid substitution p.Gln264Glu. To our knowledge, this variant has not been reported in the literature. This variant is reported in 1 of ~251,000 alleles in gnomAD. It is interpreted as uncertain significance in ClinVar. At this time, the clinical significance of this variant is uncertain due to the absence of conclusive functional and genetic evidence.

NM_000038.6(APC):c.790C>G (p.Gln264Glu)

Gene: APC (APC regulator of Wnt signaling pathway; plus strand). Cytogenetic location: 5q22.2.
Variant type: single nucleotide variant.
Coding change: c.790C>G on transcript NM_000038.6 (MANE Select); coding-DNA position 790, C replaced by G.
Protein change: p.Gln264Glu; replaces glutamine 264 with glutamic acid.
Molecular consequence: missense variant. On other transcripts: 5 prime UTR variant (1).
Genome position (GRCh38, 1-based): chr5:112,801,339, C>G. VCF-style: chr5-112801339-C-G. GRCh37 (hg19) VCF-style: chr5-112137036-C-G.
Other names: c.790C>G, p.Gln264Glu (NM_001127510.3, NM_001354895.2, NM_001354896.2 and 1 more transcripts); c.736C>G, p.Gln246Glu (NM_001127511.3); c.820C>G, p.Gln274Glu (NM_001354897.2, NM_001354902.2); c.715C>G, p.Gln239Glu (NM_001354898.2, NM_001354904.2); c.706C>G, p.Gln236Glu (NM_001354899.2); c.613C>G, p.Gln205Glu (NM_001354900.2, NM_001354901.2, NM_001354905.2); c.-246C>G (NM_001354906.2); short protein forms Q246E, Q264E, Q205E, Q236E, Q239E, Q274E.
Identifiers: ClinVar variation 537458 (VCV000537458.14), dbSNP rs1434813233, ClinGen allele CA16023059.